The following is an entry in ClinVar:

ClinVar aggregate classification (germline): Uncertain significance. Review status: criteria provided, multiple submitters, no conflicts (2 of 4 stars). 4 submissions from 4 submitters: Uncertain significance (3). 1 of the submissions does not count toward it. Last evaluated 2026-01-19.

Conditions:
Niemann-Pick disease, type C1. Also called: NIEMANN-PICK DISEASE, VARIANT TYPE C1; NEUROVISCERAL STORAGE DISEASE WITH VERTICAL SUPRANUCLEAR OPHTHALMOPLEGIA; NIEMANN-PICK DISEASE WITH CHOLESTEROL ESTERIFICATION BLOCK; NIEMANN-PICK DISEASE WITHOUT SPHINGOMYELINASE DEFICIENCY; NIEMANN-PICK DISEASE, CHRONIC NEURONOPATHIC FORM. Identifiers: Orphanet 646, MedGen C3179455, MONDO:0009757, OMIM 257220.

Allele frequency attached by ClinVar (database versions not stated): gnomAD 0.00003; gnomAD exomes 0.00003 and 0.00007; TOPMed 0.00004; ExAC 0.00007.
gnomAD v4.1: 20 of 1,613,970 alleles (0.0012%); highest among the groups gnomAD compares: Admixed American, 0.033%; no homozygotes.

Submissions (4):

Labcorp Genetics (formerly Invitae), Labcorp
Classification: Uncertain significance for Niemann-Pick disease, type C1. Last evaluated: 2026-01-19. Review status: criteria provided, single submitter. Criteria: Invitae Variant Classification Sherloc (09022015). Collection method: clinical testing. Allele origin: germline.
Comment: This sequence change replaces glutamine, which is neutral and polar, with histidine, which is basic and polar, at codon 407 of the NPC1 protein (p.Gln407His). This variant is present in population databases (rs765539977, gnomAD 0.06%). This variant has not been reported in the literature in individuals affected with NPC1-related conditions. ClinVar contains an entry for this variant (Variation ID: 281031). Invitae Evidence Modeling of protein sequence and biophysical properties (such as structural, functional, and spatial information, amino acid conservation, physicochemical variation, residue mobility, and thermodynamic stability) indicates that this missense variant is expected to disrupt NPC1 protein function with a positive predictive value of 95%. In summary, the available evidence is currently insufficient to determine the role of this variant in disease. Therefore, it has been classified as a Variant of Uncertain Significance.

Fulgent Genetics
Classification: Uncertain significance for Niemann-Pick disease, type C1. Last evaluated: 2018-10-31. Review status: criteria provided, single submitter. Criteria: ACMG Guidelines, 2015. Collection method: clinical testing. Allele origin: unknown.

Eurofins Ntd Llc (ga)
Classification: Uncertain significance. Last evaluated: 2018-03-14. Review status: criteria provided, single submitter. Criteria: EGL ClinVar v180209 classification definitions. Collection method: clinical testing. Allele origin: germline. Observed: 4 variant alleles, 4 heterozygotes.

Natera, Inc.
Classification: Uncertain significance for Niemann-Pick disease type C1. Last evaluated: 2020-01-24. Review status: no assertion criteria provided. Collection method: clinical testing. Allele origin: germline. Not counted in ClinVar's aggregate classification.

NM_000271.5(NPC1):c.1221G>C (p.Gln407His)

Gene: NPC1 (NPC intracellular cholesterol transporter 1; minus strand). Cytogenetic location: 18q11.2.
Variant type: single nucleotide variant.
Coding change: c.1221G>C on transcript NM_000271.5 (MANE Select); coding-DNA position 1221, G replaced by C.
Protein change: p.Gln407His; replaces glutamine 407 with histidine.
Molecular consequence: missense variant.
Genome position (GRCh38, 1-based): chr18:23,556,348, C>G on the plus strand (G>C on the coding strand, the complement: NPC1 is on the minus strand). VCF-style: chr18-23556348-C-G. GRCh37 (hg19) VCF-style: chr18-21136312-C-G.
Other names: short protein forms Q407H.
Identifiers: ClinVar variation 281031 (VCV000281031.14), dbSNP rs765539977, ClinGen allele CA8913515.